The following is an entry in ClinVar:

NM_001372.4(DNAH9):c.10555C>A (p.Pro3519Thr)

Genes: DNAH9 (dynein axonemal heavy chain 9; plus strand), LOC101928350 (uncharacterized LOC101928350; minus strand). Cytogenetic location: 17p12.
Variant type: single nucleotide variant.
Coding change: c.10555C>A on transcript NM_001372.4 (MANE Select); coding-DNA position 10555, C replaced by A.
Protein change: p.Pro3519Thr; replaces proline 3519 with threonine.
Molecular consequence: missense variant.
Genome position (GRCh38, 1-based): chr17:11,880,154, C>A. VCF-style: chr17-11880154-C-A. GRCh37 (hg19) VCF-style: chr17-11783471-C-A.
Other names: p.Pro3519Thr; c.10555C>A (NM_001372.3); short protein forms P3519T.
Identifiers: ClinVar variation 1633653 (VCV001633653.34), dbSNP rs148325223, ClinGen allele CA8397551.

ClinVar aggregate classification (germline): Benign. Review status: criteria provided, multiple submitters, no conflicts (2 of 4 stars). 5 submissions from 5 submitters: Benign (4). 1 of the submissions does not count toward it. Last evaluated 2026-02-01.

Conditions:
DNAH9-related disorder. Also called: DNAH9-related condition.

Allele frequency attached by ClinVar (database versions not stated): 1000 Genomes Project 30x 0.00312; 1000 Genomes Project 0.00339; TOPMed 0.00576; gnomAD 0.00608 and 0.00641; ExAC 0.00627; gnomAD exomes 0.00632 and 0.00949; ESP Exome Variant Server 0.00861.
gnomAD v4.1: 14,735 of 1,613,954 alleles (0.91%); highest among the groups gnomAD compares: Non-Finnish European, 1.1%; 93 homozygotes.

Submissions (5):

Labcorp Genetics (formerly Invitae), Labcorp
Classification: Benign. Last evaluated: 2026-02-01. Review status: criteria provided, single submitter. Criteria: Invitae Variant Classification Sherloc (09022015). Collection method: clinical testing. Allele origin: germline.

CeGaT Center for Human Genetics Tuebingen
Classification: Benign. Last evaluated: 2026-01-01. Review status: criteria provided, single submitter. Criteria: CeGaT Center For Human Genetics Tuebingen Variant Classification Criteria Version 2. Collection method: clinical testing. Allele origin: germline. Affected: yes. Observed: 5 variant alleles.
Comment: DNAH9: BS1, BS2

Mayo Clinic Laboratories, Mayo Clinic
Classification: Benign. Last evaluated: 2024-08-14. Review status: criteria provided, single submitter. Criteria: ACMG Guidelines, 2015. Collection method: clinical testing. Allele origin: germline. Observed: 2 variant alleles.
Comment: BS1, BS2

Breakthrough Genomics
Classification: Benign. Review status: criteria provided, single submitter. Criteria: ACMG Guidelines, 2015. Collection method: not provided. Allele origin: germline. Inheritance: Autosomal recessive inheritance. Affected: yes.

PreventionGenetics, part of Exact Sciences
Classification: Benign for DNAH9-related condition. Last evaluated: 2019-05-15. Review status: no assertion criteria provided. Collection method: clinical testing. Allele origin: germline. Not counted in ClinVar's aggregate classification.
Comment: This variant is classified as benign based on ACMG/AMP sequence variant interpretation guidelines (Richards et al. 2015 PMID: 25741868, with internal and published modifications).